The following is an entry in ClinVar:

NM_000089.4(COL1A2):c.693+1G>A

Gene: COL1A2 (collagen type I alpha 2 chain; plus strand). Cytogenetic location: 7q21.3.
Variant type: single nucleotide variant.
Coding change: c.693+1G>A on transcript NM_000089.4 (MANE Select); the canonical splice donor site of the intron after coding-DNA position 693, G replaced by A.
Molecular consequence: splice donor variant.
Genome position (GRCh38, 1-based): chr7:94,408,237, G>A. VCF-style: chr7-94408237-G-A. GRCh37 (hg19) VCF-style: chr7-94037549-G-A.
Identifiers: ClinVar variation 2925404 (VCV002925404.3), dbSNP rs72656381, ClinGen allele CA162918043.

ClinVar aggregate classification (germline): Pathogenic (1 of 4 stars; one submission).

Conditions:
Osteogenesis imperfecta type I (OI1). Also called: Lobstein disease; OI, TYPE I; OSTEOGENESIS IMPERFECTA TARDA; OSTEOGENESIS IMPERFECTA WITH BLUE SCLERAE; Osteogenesis imperfecta type 1; Lobstein's Disease. Identifiers: Orphanet 216796, Orphanet 666, MedGen C0023931, MONDO:0008146, OMIM 166200. Disease mechanism: loss of function.
Ehlers-Danlos syndrome, classic type, 1 (EDSCL1). Also called: EDS I; EHLERS-DANLOS SYNDROME, GRAVIS TYPE; EHLERS-DANLOS SYNDROME, SEVERE CLASSIC TYPE; Ehlers-Danlos syndrome, type 1; Ehlers-Danlos Syndrome, Classic Type, COL5A1-Related. Identifiers: MedGen C0268335, MONDO:0019567, OMIM 130000.

Submission:

Labcorp Genetics (formerly Invitae), Labcorp
Classification: Pathogenic for Osteogenesis imperfecta type I; Ehlers-Danlos syndrome, classic type, 1. Last evaluated: 2023-08-21. Review status: criteria provided, single submitter. Criteria: Invitae Variant Classification Sherloc (09022015). Collection method: clinical testing. Allele origin: germline.
Comment: This sequence change affects a donor splice site in intron 14 of the COL1A2 gene. RNA analysis indicates that disruption of this splice site induces altered splicing and likely results in a shortened protein product. For these reasons, this variant has been classified as Pathogenic. This variant disrupts the triple helix domain of COL1A2. Glycine residues within the Gly-Xaa-Yaa repeats of the triple helix domain are required for the structure and stability of fibrillar collagens (PMID: 7695699, 8218237, 19344236). In COL1A2, variants affecting these glycine residues are significantly enriched in individuals with disease (PMID: 9016532, 17078022) compared to the general population (ExAC). Studies have shown that disruption of this splice site results in skipping of 14, but is expected to preserve the integrity of the reading-frame (PMID: 17078022). Disruption of this splice site has been observed in individual(s) with autosomal dominant osteogenesis imperfecta (PMID: 27509835). This variant is not present in population databases (gnomAD no frequency).

Literature cited by the submitters: PubMed 7695699; PubMed 8218237; PubMed 19344236; PubMed 9016532; PubMed 17078022; PubMed 27509835.